The following is an entry in ClinVar:

ClinVar aggregate classification (germline): Pathogenic (1 of 4 stars; one submission).

Conditions:
Maple syrup urine disease (MSUD). Identifiers: Orphanet 511, MedGen C0024776, MeSH D008375, MONDO:0009563. Disease mechanism: loss of function.

Submission:

Labcorp Genetics (formerly Invitae), Labcorp
Classification: Pathogenic for Maple syrup urine disease. Last evaluated: 2023-11-17. Review status: criteria provided, single submitter. Criteria: Invitae Variant Classification Sherloc (09022015). Collection method: clinical testing. Allele origin: unknown.
Comment: This variant is a gross deletion of the genomic region encompassing exon(s) 5-8 of the BCKDHA gene. While this deletion is not anticipated to lead to nonsense mediated decay, it is expected to disrupt the C-terminus of the protein. A similar copy number variant has been observed in individual(s) with maple syrup urine disease (PMID: 27896100). This variant disrupts a region of the BCKDHA protein in which other variant(s) (p.Glu436*) have been determined to be pathogenic (Invitae). This suggests that this is a clinically significant region of the protein, and that variants that disrupt it are likely to be disease-causing. For these reasons, this variant has been classified as Pathogenic.

Literature cited by the submitters: PubMed 27896100.

NC_000019.9:g.(?_41925020)_(41929094_?)del

Gene: BCKDHA (branched chain keto acid dehydrogenase E1 subunit alpha; plus strand). Cytogenetic location: 19q13.2.
Variant type: Deletion.
Identifiers: ClinVar variation 3248404 (VCV003248404.1).